The following is an entry in ClinVar:

ClinVar aggregate classification (germline): Benign/Likely benign. Review status: criteria provided, multiple submitters, no conflicts (2 of 4 stars). 7 submissions from 6 submitters: Benign (6); Likely benign (1). Last evaluated 2026-01-14.

Conditions:
Developmental delay, impaired growth, dysmorphic facies, and axonal neuropathy. Identifiers: MedGen C5436781, MONDO:0030835, OMIM 619090.
Charcot-Marie-Tooth disease axonal type 2Z. Also called: CHARCOT-MARIE-TOOTH NEUROPATHY, TYPE 2Z; CHARCOT-MARIE-TOOTH DISEASE, AXONAL, AUTOSOMAL DOMINANT, TYPE 2Z. Identifiers: Orphanet 466768, MedGen C5569025, MONDO:0014736, OMIM 616688.
MORC2-related disorder. Also called: MORC2-related condition.

Allele frequency attached by ClinVar (database versions not stated): gnomAD 0.00001 and 0.00025; TOPMed 0.00004; gnomAD exomes 0.00044 and 0.00089; ExAC 0.00095; 1000 Genomes Project 30x 0.00156; 1000 Genomes Project 0.00160.
gnomAD v4.1: 681 of 1,614,132 alleles (0.042%); highest among the groups gnomAD compares: South Asian, 0.68%; 8 homozygotes.

Submissions (7):

Labcorp Genetics (formerly Invitae), Labcorp
Classification: Benign for Charcot-Marie-Tooth disease axonal type 2Z. Last evaluated: 2026-01-14. Review status: criteria provided, single submitter. Criteria: Invitae Variant Classification Sherloc (09022015). Collection method: clinical testing. Allele origin: germline.

PreventionGenetics, part of Exact Sciences
Classification: Benign for MORC2-related condition. Last evaluated: 2025-05-29. Review status: criteria provided, single submitter. Criteria: ACMG Guidelines, 2015. Collection method: clinical testing. Allele origin: germline.
Comment: This variant is classified as benign based on ACMG/AMP sequence variant interpretation guidelines (Richards et al. 2015 PMID: 25741868, with internal and published modifications).

Mayo Clinic Laboratories, Mayo Clinic
Classification: Benign. Last evaluated: 2024-12-31. Review status: criteria provided, single submitter. Criteria: ACMG Guidelines, 2015. Collection method: clinical testing. Allele origin: germline. Observed: 1 variant allele.
Comment: BA1, BP4, BP7

Blueprint Genetics
Classification: Likely benign. Last evaluated: 2024-11-22. Review status: criteria provided, single submitter. Criteria: ACMG Guidelines, 2015. Collection method: clinical testing. Allele origin: germline.

Genome-Nilou Lab
Classification: Benign for Charcot-Marie-Tooth disease axonal type 2Z. Last evaluated: 2022-03-15. Review status: criteria provided, single submitter. Criteria: ACMG Guidelines, 2015. Collection method: clinical testing. Allele origin: germline. Affected: no.

Genome-Nilou Lab
Classification: Benign for Developmental delay, impaired growth, dysmorphic facies, and axonal neuropathy. Last evaluated: 2022-03-15. Review status: criteria provided, single submitter. Criteria: ACMG Guidelines, 2015. Collection method: clinical testing. Allele origin: germline. Affected: no.

GeneDx
Classification: Benign. Last evaluated: 2021-05-26. Review status: criteria provided, single submitter. Criteria: GeneDx Variant Classification Process June 2021. Collection method: clinical testing. Allele origin: germline. Affected: yes.

NM_001303256.3(MORC2):c.894A>G (p.Val298=)

Gene: MORC2 (MORC family CW-type zinc finger 2; minus strand). Cytogenetic location: 22q12.2.
Variant type: single nucleotide variant.
Coding change: c.894A>G on transcript NM_001303256.3 (MANE Select); coding-DNA position 894, A replaced by G.
Protein change: p.Val298=; no amino-acid change (valine 298 retained).
Molecular consequence: synonymous variant.
Genome position (GRCh38, 1-based): chr22:30,940,768, T>C on the plus strand (A>G on the coding strand, the complement: MORC2 is on the minus strand). VCF-style: chr22-30940768-T-C. GRCh37 (hg19) VCF-style: chr22-31336755-T-C.
Other names: p.Val298=; c.894A>G, p.Val298= (NM_001303257.2); c.708A>G, p.Val236= (NM_014941.3).
Identifiers: ClinVar variation 772359 (VCV000772359.17), dbSNP rs562612569, ClinGen allele CA10187136.
Genomic context (GRCh38, chr22:30,940,768, plus strand): 5'-CATACCCCAGATGCACACCCCCCCAACTCCTGCACCCAGAGTGGCATTACCAATCCTTGC[T>C]ACGTGCTCTGCTTTCTTCACCTCCTGCTCCGCACGGGTCTTGAAACGGCTTGACGTGTAC-3'
Protein context (NP_001290185.1, residues 288-308): AEQEVKKAEH[Val298=]ARIAEEKARE